The following is an entry in ClinVar:

ClinVar aggregate classification (germline): Uncertain significance (1 of 4 stars; one submission).

Submission:

GeneDx
Classification: Uncertain significance. Last evaluated: 2022-11-16. Review status: criteria provided, single submitter. Criteria: GeneDx Variant Classification Process June 2021. Collection method: clinical testing. Allele origin: germline. Affected: yes.
Comment: Not observed at significant frequency in large population cohorts (gnomAD); In silico analysis supports that this missense variant does not alter protein structure/function; Has not been previously published as pathogenic or benign to our knowledge

NM_004539.4(NARS1):c.1597A>G (p.Ile533Val)

Gene: NARS1 (asparaginyl-tRNA synthetase 1; minus strand). Cytogenetic location: 18q21.31.
Variant type: single nucleotide variant.
Coding change: c.1597A>G on transcript NM_004539.4 (MANE Select); coding-DNA position 1597, A replaced by G.
Protein change: p.Ile533Val; replaces isoleucine 533 with valine.
Molecular consequence: missense variant.
Genome position (GRCh38, 1-based): chr18:57,601,702, T>C on the plus strand (A>G on the coding strand, the complement: NARS1 is on the minus strand). VCF-style: chr18-57601702-T-C. GRCh37 (hg19) VCF-style: chr18-55268934-T-C.
Other names: short protein forms I533V.
Identifiers: ClinVar variation 2502662 (VCV002502662.1), dbSNP rs2511565359, ClinGen allele CA402542501.
Genomic context (GRCh38, chr18:57,601,702, plus strand): 5'-GAGAAAATGGTTATGGCGTGCAACGCTGGACAAATCGAGGGTATAAGCACACGTCTCGGA[T>C]GTGATACCTATTCAGAATCCACGTTAAGAATCGTTCCAAGCCCAAGCCATATCCTCCATG-3'
Protein context (NP_004530.1, residues 523-543): FLTWILNRYH[Ile533Val]RDVCLYPRFV